The following is an entry in ClinVar:

ClinVar aggregate classification (germline): Benign/Likely benign. Review status: criteria provided, multiple submitters, no conflicts (2 of 4 stars). 7 submissions from 7 submitters: Benign (1); Likely benign (6). Last evaluated 2025-03-04.

Conditions:
Hereditary cancer-predisposing syndrome. Also called: Hereditary Cancer Syndrome; Neoplastic Syndromes, Hereditary; Tumor predisposition; Hereditary neoplastic syndrome. Identifiers: Orphanet 140162, MedGen C0027672, MeSH D009386, MONDO:0015356.
Familial cancer of breast. Also called: Hereditary breast cancer; hereditary breast carcinoma; BREAST CANCER, FAMILIAL. Identifiers: Orphanet 227535, MedGen C0346153, MONDO:0016419, OMIM 114480. Disease mechanism: loss of function.
Ataxia-telangiectasia syndrome (AT). Also called: Ataxia telangiectasia (A-T); Ataxia-telangiectasia, complementation group E; LOUIS-BAR SYNDROME; Cerebello-oculocutaneous telangiectasia; Immunodeficiency with ataxia telangiectasia; Ataxia-telangiectasia, complementation group D. Identifiers: Orphanet 100, MedGen C0004135, MONDO:0008840, OMIM 208900.

Allele frequency attached by ClinVar (database versions not stated): gnomAD exomes below 0.00001; TOPMed below 0.00001; gnomAD 0.00001.
gnomAD v4.1: 4 of 1,613,610 alleles (0.00025%); highest among the groups gnomAD compares: African/African-American, 0.0013%; no homozygotes.

Submissions (7):

Center for Genomic Medicine, Rigshospitalet, Copenhagen University Hospital
Classification: Likely benign. Last evaluated: 2025-03-04. Review status: criteria provided, single submitter. Criteria: ACMG Guidelines, 2015. Collection method: clinical testing. Allele origin: germline.

Labcorp Genetics (formerly Invitae), Labcorp
Classification: Likely benign for Ataxia-telangiectasia syndrome. Last evaluated: 2024-09-29. Review status: criteria provided, single submitter. Criteria: Invitae Variant Classification Sherloc (09022015). Collection method: clinical testing. Allele origin: germline.

Myriad Genetics, Inc.
Classification: Benign for Familial cancer of breast. Last evaluated: 2024-05-14. Review status: criteria provided, single submitter. Criteria: Myriad Autosomal Dominant, Autosomal Recessive and X-Linked Classification Criteria (2023). Collection method: clinical testing. Allele origin: unknown.
Comment: This variant is considered benign. This variant is a silent/synonymous amino acid change and it is not expected to impact splicing.

Sema4
Classification: Likely benign for Hereditary cancer-predisposing syndrome. Last evaluated: 2022-03-18. Review status: criteria provided, single submitter. Criteria: Sema4 Curation Guidelines. Collection method: curation. Allele origin: germline.

Color Diagnostics, LLC DBA Color Health
Classification: Likely benign for Hereditary cancer-predisposing syndrome. Last evaluated: 2019-03-26. Review status: criteria provided, single submitter. Criteria: ACMG Guidelines, 2015. Collection method: clinical testing. Allele origin: germline.

GeneDx
Classification: Likely benign. Last evaluated: 2018-11-14. Review status: criteria provided, single submitter. Criteria: GeneDx Variant Classification Process June 2021. Collection method: clinical testing. Allele origin: germline. Affected: yes.
Comment: This variant is associated with the following publications: (PMID: 22810696)

Ambry Genetics
Classification: Likely benign for Hereditary cancer-predisposing syndrome. Last evaluated: 2015-01-13. Review status: criteria provided, single submitter. Criteria: Ambry Variant Classification Scheme 2023. Collection method: clinical testing. Allele origin: germline.

NM_000051.4(ATM):c.3504C>T (p.Cys1168=)

Gene: ATM (ATM serine/threonine kinase; plus strand). Cytogenetic location: 11q22.3.
Variant type: single nucleotide variant.
Coding change: c.3504C>T on transcript NM_000051.4 (MANE Select); coding-DNA position 3504, C replaced by T.
Protein change: p.Cys1168=; no amino-acid change (cysteine 1168 retained).
Molecular consequence: synonymous variant.
Genome position (GRCh38, 1-based): chr11:108,281,096, C>T. VCF-style: chr11-108281096-C-T. GRCh37 (hg19) VCF-style: chr11-108151823-C-T.
Other names: c.3504C>T, p.Cys1168= (NM_001351834.2).
Identifiers: ClinVar variation 230071 (VCV000230071.23), dbSNP rs876658368, ClinGen allele CA10579107.
Genomic context (GRCh38, chr11:108,281,096, plus strand): 5'-TAATAGAAAATCTGTTTTACTGACGTTGATAGCTGTGGTTTTATCCTGTAGCCCTATCTG[C>T]GAAAAACAGGCTTTGTTTGCCCTGTGTAAATCTGTGAAAGAGAATGGATTAGAACCTCAC-3'
Protein context (NP_000042.3, residues 1158-1178): IAVVLSCSPI[Cys1168=]EKQALFALCK